The following is an entry in ClinVar:

ClinVar aggregate classification (germline): Uncertain significance (1 of 4 stars; one submission).

Submission:

Labcorp Genetics (formerly Invitae), Labcorp
Classification: Uncertain significance. Last evaluated: 2022-06-13. Review status: criteria provided, single submitter. Criteria: Invitae Variant Classification Sherloc (09022015). Collection method: clinical testing. Allele origin: germline.
Comment: ClinVar contains an entry for this variant (Variation ID: 965994). This sequence change replaces glutamic acid, which is acidic and polar, with glutamine, which is neutral and polar, at codon 476 of the ADGRA3 protein (p.Glu476Gln). This variant is not present in population databases (gnomAD no frequency). This variant has not been reported in the literature in individuals affected with ADGRA3-related conditions. Algorithms developed to predict the effect of missense changes on protein structure and function (SIFT, PolyPhen-2, Align-GVGD) all suggest that this variant is likely to be tolerated. In summary, the available evidence is currently insufficient to determine the role of this variant in disease. Therefore, it has been classified as a Variant of Uncertain Significance.

NM_145290.4(ADGRA3):c.1426G>C (p.Glu476Gln)

Gene: ADGRA3 (adhesion G protein-coupled receptor A3; minus strand). Cytogenetic location: 4p15.2.
Variant type: single nucleotide variant.
Coding change: c.1426G>C on transcript NM_145290.4 (MANE Select); coding-DNA position 1426, G replaced by C.
Protein change: p.Glu476Gln; replaces glutamic acid 476 with glutamine.
Molecular consequence: missense variant.
Genome position (GRCh38, 1-based): chr4:22,435,328, C>G on the plus strand (G>C on the coding strand, the complement: ADGRA3 is on the minus strand). VCF-style: chr4-22435328-C-G. GRCh37 (hg19) VCF-style: chr4-22436951-C-G.
Other names: short protein forms E476Q.
Identifiers: ClinVar variation 965994 (VCV000965994.10), dbSNP rs1716349880, ClinGen allele CA356481708.